The following is an entry in ClinVar:

ClinVar aggregate classification (germline): Uncertain significance (1 of 4 stars; one submission).

Conditions:
Epidermolysis bullosa simplex 5C, with pyloric atresia (EBS5C). Also called: PLEC-Related Epidermolysis Bullosa with Pyloric Atresia; Epidermolysis bullosa simplex with pyloric atresia; PLEC1-Related Epidermolysis Bullosa with Pyloric Atresia. Identifiers: Orphanet 158684, MedGen C2677349, MONDO:0012807, OMIM 612138.
Epidermolysis bullosa simplex with nail dystrophy (EBS5D). Identifiers: MedGen C4225309, MONDO:0014661, OMIM 616487.
Epidermolysis bullosa simplex 5B, with muscular dystrophy (EBS5B). Also called: Epidermolysis bullosa simplex with muscular dystrophy; EPIDERMOLYSIS BULLOSA SIMPLEX AND LIMB-GIRDLE MUSCULAR DYSTROPHY. Identifiers: Orphanet 257, MedGen C2931072, MONDO:0009181, OMIM 226670.
Autosomal recessive limb-girdle muscular dystrophy type 2Q (LGMDR17). Also called: MUSCULAR DYSTROPHY, LIMB-GIRDLE, AUTOSOMAL RECESSIVE 17. Identifiers: Orphanet 254361, MedGen C3150989, MONDO:0013390, OMIM 613723.
Epidermolysis bullosa simplex, Ogna type (EBS5A). Also called: Pidermolysis bullosa simplex 5A, Ogna type; EPIDERMOLYSIS BULLOSA SIMPLEX 5A, OGNA TYPE. Identifiers: Orphanet 79401, MedGen C0432317, MONDO:0007555, OMIM 131950.

Allele frequency attached by ClinVar (database versions not stated): gnomAD exomes 0.00001 and 0.00002; ExAC 0.00003; gnomAD 0.00003; TOPMed 0.00003.
gnomAD v4.1: 35 of 1,612,494 alleles (0.0022%); highest among the groups gnomAD compares: Non-Finnish European, 0.0026%; no homozygotes.

Submission:

Labcorp Genetics (formerly Invitae), Labcorp
Classification: Uncertain significance for Autosomal recessive limb-girdle muscular dystrophy type 2Q; Epidermolysis bullosa simplex, Ogna type; Epidermolysis bullosa simplex with nail dystrophy; Epidermolysis bullosa simplex 5C, with pyloric atresia; Epidermolysis bullosa simplex 5B, with muscular dystrophy. Last evaluated: 2026-02-01. Review status: criteria provided, single submitter. Criteria: Invitae Variant Classification Sherloc (09022015). Collection method: clinical testing. Allele origin: germline.
Comment: This sequence change replaces leucine, which is neutral and non-polar, with phenylalanine, which is neutral and non-polar, at codon 3974 of the PLEC protein (p.Leu3974Phe). This variant is present in population databases (rs781943720, gnomAD 0.007%). This variant has not been reported in the literature in individuals affected with PLEC-related conditions. ClinVar contains an entry for this variant (Variation ID: 573797). Invitae Evidence Modeling of protein sequence and biophysical properties (such as structural, functional, and spatial information, amino acid conservation, physicochemical variation, residue mobility, and thermodynamic stability) indicates that this missense variant is not expected to disrupt PLEC protein function with a negative predictive value of 80%. In summary, the available evidence is currently insufficient to determine the role of this variant in disease. Therefore, it has been classified as a Variant of Uncertain Significance.

NM_201384.3(PLEC):c.11839C>T (p.Leu3947Phe)

Gene: PLEC (plectin; minus strand). Cytogenetic location: 8q24.3.
Variant type: single nucleotide variant.
Coding change: c.11839C>T on transcript NM_201384.3 (MANE Select); coding-DNA position 11839, C replaced by T.
Protein change: p.Leu3947Phe; replaces leucine 3947 with phenylalanine.
Molecular consequence: missense variant.
Genome position (GRCh38, 1-based): chr8:143,917,982, G>A on the plus strand (C>T on the coding strand, the complement: PLEC is on the minus strand). VCF-style: chr8-143917982-G-A. GRCh37 (hg19) VCF-style: chr8-144992150-G-A.
Other names: c.11920C>T, p.Leu3974Phe (NM_000445.5); c.11797C>T, p.Leu3933Phe (NM_201378.4); c.11773C>T, p.Leu3925Phe (NM_201379.3); c.12250C>T, p.Leu4084Phe (NM_201380.4); c.11743C>T, p.Leu3915Phe (NM_201381.3); c.11839C>T, p.Leu3947Phe (NM_201382.4); c.11851C>T, p.Leu3951Phe (NM_201383.3); short protein forms L3925F, L3933F, L3974F, L3951F, L4084F, L3915F, L3947F.
Identifiers: ClinVar variation 573797 (VCV000573797.9), dbSNP rs781943720, ClinGen allele CA4924236.